The following is an entry in ClinVar:

ClinVar aggregate classification (germline): Conflicting classifications of pathogenicity. Review status: criteria provided, conflicting classifications (1 of 4 stars). 6 submissions from 6 submitters: Pathogenic (1); Likely pathogenic (3); Uncertain significance (1). 1 of the submissions does not count toward it. Last evaluated 2025-07-31.

Conditions:
Inborn genetic diseases. Identifiers: MedGen C0950123, MeSH D030342.
Spastic paraplegia. Identifiers: MedGen C0037772, HP:0001258.
Hereditary spastic paraplegia 47. Also called: CEREBRAL PALSY, SPASTIC QUADRIPLEGIC, 5; adaptor protein 4 (AP-4) deficiency syndrome; Spastic paraplegia 47, autosomal recessive. Identifiers: Orphanet 280763, MedGen C3279738, MONDO:0013551, OMIM 614066.

Allele frequency attached by ClinVar (database versions not stated): TOPMed below 0.00001; ExAC 0.00001; gnomAD exomes 0.00002; ESP Exome Variant Server 0.00008.

Submissions (6):

First Genomix Gene Laboratory, Genetic Diagnostics Department
Classification: Likely pathogenic for Hereditary spastic paraplegia 47. Last evaluated: 2025-07-31. Review status: criteria provided, single submitter. Criteria: ACMG Guidelines, 2015. Collection method: clinical testing. Allele origin: germline. Inheritance: Autosomal recessive inheritance. Affected: no. Observed: 1 variant allele.

GeneDx
Classification: Pathogenic. Last evaluated: 2023-11-15. Review status: criteria provided, single submitter. Criteria: GeneDx Variant Classification Process June 2021. Collection method: clinical testing. Allele origin: germline. Affected: yes.
Comment: Alters the last nucleotide of the exon and is predicted to destroy the splice donor site and result in aberrant splicing, although in the absence of functional evidence the actual effect of this sequence change is unknown; Not observed at significant frequency in large population cohorts (gnomAD); This variant is associated with the following publications: (PMID: 25693842, 21620353, 23472171, 24700674, 26795593, 19559397, 23167973, 20972249, 29193663, 22290197, 24395635, 25552650, 31915823, 32979048)

Neuberg Centre For Genomic Medicine, NCGM
Classification: Likely pathogenic for Hereditary spastic paraplegia 47. Last evaluated: 2023-07-22. Review status: criteria provided, single submitter. Criteria: ACMG Guidelines, 2015. Collection method: clinical testing. Allele origin: germline. Inheritance: Autosomal recessive inheritance. Affected: yes.
Comment: The missense/ splice region variant c.617G>Ap.Arg206Gln in AP4B1 gene has been reported previously in homozygous or compound heterozygous state in individuals affected with hereditary spastic paraplegia Ebrahimi-Fakhari et al., 2020. This variant is reported with the allele frequency of 0.002% in the gnomAD Exomes. This variant has been reported to the ClinVar database as Uncertain Significance / Likely Pathogenic. The amino acid Arg at position 206 is changed to a Gln changing protein sequence and it might alter its composition and physico-chemical properties. Multiple lines of computational evidence Polyphen-probably damaging, SIFT-damaging and Mutation Taster-disease causing predict a damaging effect on protein structure and function for this variant.This variant is predicted as damaging by SpliceAI Prediction. The reference amino acid p.Arg206Gln in AP4B1 is predicted as conserved by GERP++ and PhyloP across 100 vertebrates .It has also been observed to segregate with disease in related individuals. For these reasons, this variant has been classified as Likely Pathogenic.

Labcorp Genetics (formerly Invitae), Labcorp
Classification: Uncertain significance for Hereditary spastic paraplegia 47. Last evaluated: 2022-06-24. Review status: criteria provided, single submitter. Criteria: Invitae Variant Classification Sherloc (09022015). Collection method: clinical testing. Allele origin: germline.
Comment: This sequence change replaces arginine, which is basic and polar, with glutamine, which is neutral and polar, at codon 206 of the AP4B1 protein (p.Arg206Gln). This variant also falls at the last nucleotide of exon 5, which is part of the consensus splice site for this exon. This variant is present in population databases (rs149705131, gnomAD 0.006%). This missense change has been observed in individual(s) with hereditary spastic paraplegia (PMID: 31915823, 32979048). It has also been observed to segregate with disease in related individuals. ClinVar contains an entry for this variant (Variation ID: 520727). Algorithms developed to predict the effect of missense changes on protein structure and function are either unavailable or do not agree on the potential impact of this missense change (SIFT: "Deleterious"; PolyPhen-2: "Possibly Damaging"; Align-GVGD: "Class C0"). Variants that disrupt the consensus splice site are a relatively common cause of aberrant splicing (PMID: 17576681, 9536098). Algorithms developed to predict the effect of sequence changes on RNA splicing suggest that this variant may disrupt the consensus splice site. In summary, the available evidence is currently insufficient to determine the role of this variant in disease. Therefore, it has been classified as a Variant of Uncertain Significance.

Ambry Genetics
Classification: Likely pathogenic for Inborn genetic diseases. Last evaluated: 2015-06-15. Review status: criteria provided, single submitter. Criteria: Ambry exome assertion method (8-5-2015). Collection method: clinical testing. Allele origin: germline. Affected: yes. Observed: 1 variant allele.

Yale Center for Mendelian Genomics, Yale University
Classification: Likely pathogenic for Spastic paraplegia. Last evaluated: 2020-10-01. Review status: no assertion criteria provided. Collection method: literature only. Allele origin: germline. Affected: yes. Observed: 3 homozygotes. Study: Yale Center for Mendelian Genomics. Not counted in ClinVar's aggregate classification.

Literature cited by the submitters: PubMed 31915823 (cited by Labcorp Genetics (formerly Invitae), Labcorp); PubMed 32979048 (cited by Labcorp Genetics (formerly Invitae), Labcorp and Yale Center for Mendelian Genomics, Yale University); PubMed 17576681 (cited by Labcorp Genetics (formerly Invitae), Labcorp); PubMed 9536098 (cited by Labcorp Genetics (formerly Invitae), Labcorp).

NM_001253852.3(AP4B1):c.617G>A (p.Arg206Gln)

Genes: AP4B1 (adaptor related protein complex 4 subunit beta 1; minus strand), AP4B1-AS1 (AP4B1 antisense RNA 1; plus strand). Cytogenetic location: 1p13.2.
Variant type: single nucleotide variant.
Coding change: c.617G>A on transcript NM_001253852.3 (MANE Select); coding-DNA position 617, G replaced by A.
Protein change: p.Arg206Gln; replaces arginine 206 with glutamine.
Molecular consequence: missense variant. On other transcripts: non-coding transcript variant (2), intron variant (1).
Genome position (GRCh38, 1-based): chr1:113,901,236, C>T on the plus strand (G>A on the coding strand, the complement: AP4B1 is on the minus strand). VCF-style: chr1-113901236-C-T. GRCh37 (hg19) VCF-style: chr1-114443858-C-T.
Other names: c.617G>A (NM_006594.3); c.320G>A, p.Arg107Gln (NM_001253853.3); c.617G>A, p.Arg206Gln (NM_006594.5); c.114-836G>A (NM_001308312.2); short protein forms R206Q, R107Q.
Identifiers: ClinVar variation 520727 (VCV000520727.10), dbSNP rs149705131, ClinGen allele CA1016061.
Genomic context (GRCh38, chr1:113,901,236, plus strand): 5'-TCAACAAGATCCCACAAGGTAGCAGATCTCATAATAAAAAGAGTGCTGAGGCATCCAAAC[C>T]GATTTAAGAGATGGTGAGCAATGGGCTTATTGATGACAACGCCTCCTTCCTGTTTCAGAA-3'
Protein context (NP_001240781.1, residues 196-216): NKPIAHHLLN[Arg206Gln]MSKLDQWGQA